The following is an entry in ClinVar:

NM_006017.3(PROM1):c.1494G>C (p.Met498Ile)

Gene: PROM1 (prominin 1; minus strand). Cytogenetic location: 4p15.32.
Variant type: single nucleotide variant.
Coding change: c.1494G>C on transcript NM_006017.3 (MANE Select); coding-DNA position 1494, G replaced by C.
Protein change: p.Met498Ile; replaces methionine 498 with isoleucine.
Molecular consequence: missense variant.
Genome position (GRCh38, 1-based): chr4:16,000,580, C>G on the plus strand (G>C on the coding strand, the complement: PROM1 is on the minus strand). VCF-style: chr4-16000580-C-G. GRCh37 (hg19) VCF-style: chr4-16002203-C-G.
Other names: c.1467G>C, p.Met489Ile (NM_001145847.2, NM_001145848.2, NM_001145851.2 and 4 more transcripts); c.1494G>C, p.Met498Ile (NM_001145849.2, NM_001145850.2); short protein forms M489I, M498I.
Identifiers: ClinVar variation 1710565 (VCV001710565.2), dbSNP rs2529947773, ClinGen allele CA356433309.

ClinVar aggregate classification (germline): Uncertain significance (1 of 4 stars; one submission).

gnomAD v4.1: 2 of 1,583,838 alleles (0.00013%); no homozygotes.

Submission:

GeneDx
Classification: Uncertain significance. Last evaluated: 2022-03-17. Review status: criteria provided, single submitter. Criteria: GeneDx Variant Classification Process June 2021. Collection method: clinical testing. Allele origin: germline. Affected: yes.
Comment: Not observed at significant frequency in large population cohorts (gnomAD); In silico analysis supports that this missense variant has a deleterious effect on protein structure/function; Has not been previously published as pathogenic or benign to our knowledge